The following is an entry in ClinVar:

ClinVar aggregate classification (germline): Uncertain significance (1 of 4 stars; one submission).

Conditions:
Amyotrophic lateral sclerosis type 21. Also called: MYOPATHY, DISTAL, 2; VOCAL CORD AND PHARYNGEAL DYSFUNCTION WITH DISTAL MYOPATHY. Identifiers: Orphanet 600, Orphanet 803, MedGen C3807521, MONDO:0011632, OMIM 606070.

Allele frequency attached by ClinVar (database versions not stated): gnomAD exomes below 0.00001; gnomAD 0.00001.

Submission:

Labcorp Genetics (formerly Invitae), Labcorp
Classification: Uncertain significance for Amyotrophic lateral sclerosis type 21. Last evaluated: 2022-07-19. Review status: criteria provided, single submitter. Criteria: Invitae Variant Classification Sherloc (09022015). Collection method: clinical testing. Allele origin: germline.
Comment: In summary, the available evidence is currently insufficient to determine the role of this variant in disease. Therefore, it has been classified as a Variant of Uncertain Significance. Algorithms developed to predict the effect of missense changes on protein structure and function (SIFT, PolyPhen-2, Align-GVGD) all suggest that this variant is likely to be tolerated. ClinVar contains an entry for this variant (Variation ID: 1474636). This variant has not been reported in the literature in individuals affected with MATR3-related conditions. This variant is not present in population databases (gnomAD no frequency). This sequence change replaces threonine, which is neutral and polar, with serine, which is neutral and polar, at codon 396 of the MATR3 protein (p.Thr396Ser).

NM_018834.6(MATR3):c.1187C>G (p.Thr396Ser)

Gene: MATR3 (matrin 3; plus strand). Cytogenetic location: 5q31.2.
Variant type: single nucleotide variant.
Coding change: c.1187C>G on transcript NM_018834.6 (MANE Select); coding-DNA position 1187, C replaced by G.
Protein change: p.Thr396Ser; replaces threonine 396 with serine.
Molecular consequence: missense variant.
Genome position (GRCh38, 1-based): chr5:139,317,600, C>G. VCF-style: chr5-139317600-C-G. GRCh37 (hg19) VCF-style: chr5-138653289-C-G.
Other names: c.1187C>G, p.Thr396Ser (NM_001194954.2, NM_001194955.2, NM_199189.3); c.323C>G, p.Thr108Ser (NM_001194956.2); c.173C>G, p.Thr58Ser (NM_001282278.2); short protein forms T396S, T108S, T58S.
Identifiers: ClinVar variation 1474636 (VCV001474636.6), dbSNP rs1755320528, ClinGen allele CA361139738.
Genomic context (GRCh38, chr5:139,317,600, plus strand): 5'-GTTTCATATTGCTTTAAAGAGACTTAATTGCTTGGTTTTTTTCCCCTAATGGATAGGAAA[C>G]TAGCAGAGTTGTTCACATCATGGATTTTCAACGAGGGAAAAACTTGAGATACCAGCTATT-3'
Protein context (NP_061322.2, residues 386-406): PRHMQKGRVE[Thr396Ser]SRVVHIMDFQ